The following is an entry in ClinVar:

ClinVar aggregate classification (germline): Pathogenic (1 of 4 stars; one submission).

Conditions:
Bardet-Biedl syndrome (BBS). Identifiers: Orphanet 110, MedGen C0752166, MONDO:0015229.

Submission:

Labcorp Genetics (formerly Invitae), Labcorp
Classification: Pathogenic for Bardet-Biedl syndrome. Last evaluated: 2024-01-09. Review status: criteria provided, single submitter. Criteria: Invitae Variant Classification Sherloc (09022015). Collection method: clinical testing. Allele origin: unknown.
Comment: This variant is a gross deletion of the genomic region encompassing exon(s) 1-11 of the BBS1 gene, which includes the initiator codon. This deletion extends beyond the assayed region for this gene and therefore may encompass additional genes. It is expected to result in an absent or disrupted protein product. Loss-of-function variants in BBS1 are known to be pathogenic (PMID: 12118255, 21520335, 27032803). A similar copy number variant has been observed in individual(s) with Bardet-Biedl syndrome (PMID: 24746959). For these reasons, this variant has been classified as Pathogenic.

Literature cited by the submitters: PubMed 12118255; PubMed 21520335; PubMed 27032803; PubMed 24746959.

NC_000011.9:g.(?_66278131)_(66291682_?)del

Gene: BBS1 (Bardet-Biedl syndrome 1; plus strand). Cytogenetic location: 11q13.2.
Variant type: Deletion.
Identifiers: ClinVar variation 3244593 (VCV003244593.1).